The following is an entry in ClinVar:

ClinVar aggregate classification (germline): Uncertain significance (1 of 4 stars; one submission).

Conditions:
Lethal congenital glycogen storage disease of heart. Also called: GLYCOGEN STORAGE DISEASE OF HEART; PHOSPHORYLASE KINASE DEFICIENCY OF HEART. Identifiers: Orphanet 439854, MedGen C1849813, MONDO:0009867, OMIM 261740.

Submission:

Labcorp Genetics (formerly Invitae), Labcorp
Classification: Uncertain significance for Lethal congenital glycogen storage disease of heart. Last evaluated: 2023-04-09. Review status: criteria provided, single submitter. Criteria: Invitae Variant Classification Sherloc (09022015). Collection method: clinical testing. Allele origin: germline.
Comment: In summary, the available evidence is currently insufficient to determine the role of this variant in disease. Therefore, it has been classified as a Variant of Uncertain Significance. Advanced modeling of protein sequence and biophysical properties (such as structural, functional, and spatial information, amino acid conservation, physicochemical variation, residue mobility, and thermodynamic stability) performed at Invitae indicates that this missense variant is not expected to disrupt PRKAG2 protein function. This variant has not been reported in the literature in individuals affected with PRKAG2-related conditions. This variant is not present in population databases (gnomAD no frequency). This sequence change replaces leucine, which is neutral and non-polar, with proline, which is neutral and non-polar, at codon 352 of the PRKAG2 protein (p.Leu352Pro).

NM_016203.4(PRKAG2):c.1055T>C (p.Leu352Pro)

Gene: PRKAG2 (protein kinase AMP-activated non-catalytic subunit gamma 2; minus strand). Cytogenetic location: 7q36.1.
Variant type: single nucleotide variant.
Coding change: c.1055T>C on transcript NM_016203.4 (MANE Select); coding-DNA position 1055, T replaced by C.
Protein change: p.Leu352Pro; replaces leucine 352 with proline.
Molecular consequence: missense variant.
Genome position (GRCh38, 1-based): chr7:151,570,222, A>G on the plus strand (T>C on the coding strand, the complement: PRKAG2 is on the minus strand). VCF-style: chr7-151570222-A-G. GRCh37 (hg19) VCF-style: chr7-151267308-A-G.
Other names: c.923T>C, p.Leu308Pro (NM_001040633.2, NM_001407024.1); c.680T>C, p.Leu227Pro (NM_001304527.2, NM_001407029.1); c.332T>C, p.Leu111Pro (NM_001304531.2, NM_001407034.1, NM_001407035.1 and 1 more transcripts); c.683T>C, p.Leu228Pro (NM_001363698.2, NM_001407028.1); c.1055T>C, p.Leu352Pro (NM_001407021.1); c.1052T>C, p.Leu351Pro (NM_001407022.1, NM_001407023.1); c.920T>C, p.Leu307Pro (NM_001407026.1, NM_001407027.1); c.767T>C, p.Leu256Pro (NM_001407030.1); and 6 more; short protein forms L111P, L307P, L308P, L352P, L110P, L127P, L131P, L246P.
Identifiers: ClinVar variation 2854084 (VCV002854084.3), dbSNP rs2536346585, ClinGen allele CA370071816.